The following is an entry in ClinVar:

NM_015559.3(SETBP1):c.1965C>T (p.Leu655=)

Gene: SETBP1 (SET binding protein 1; plus strand). Cytogenetic location: 18q12.3.
Variant type: single nucleotide variant.
Coding change: c.1965C>T on transcript NM_015559.3 (MANE Select); coding-DNA position 1965, C replaced by T.
Protein change: p.Leu655=; no amino-acid change (leucine 655 retained).
Molecular consequence: synonymous variant.
Genome position (GRCh38, 1-based): chr18:44,951,305, C>T. VCF-style: chr18-44951305-C-T. GRCh37 (hg19) VCF-style: chr18-42531270-C-T.
Identifiers: ClinVar variation 727459 (VCV000727459.33), dbSNP rs372765743, ClinGen allele CA8945700.

ClinVar aggregate classification (germline): Likely benign. Review status: criteria provided, multiple submitters, no conflicts (2 of 4 stars). 3 submissions from 3 submitters: Likely benign (3). Last evaluated 2025-02-12.

Conditions:
SETBP1-related disorder. Also called: SETBP1-related condition; SETBP1-related disorders.

Allele frequency attached by ClinVar (database versions not stated): ExAC 0.00001; gnomAD exomes 0.00001 and 0.00002; gnomAD 0.00002; ESP Exome Variant Server 0.00015.
gnomAD v4.1: 27 of 1,613,362 alleles (0.0017%); highest among the groups gnomAD compares: African/African-American, 0.0027%; no homozygotes.

Submissions (3):

Labcorp Genetics (formerly Invitae), Labcorp
Classification: Likely benign. Last evaluated: 2025-02-12. Review status: criteria provided, single submitter. Criteria: Invitae Variant Classification Sherloc (09022015). Collection method: clinical testing. Allele origin: germline.

PreventionGenetics, part of Exact Sciences
Classification: Likely benign for SETBP1-related condition. Last evaluated: 2024-12-27. Review status: criteria provided, single submitter. Criteria: ACMG Guidelines, 2015. Collection method: clinical testing. Allele origin: germline.
Comment: This variant is classified as likely benign based on ACMG/AMP sequence variant interpretation guidelines (Richards et al. 2015 PMID: 25741868, with internal and published modifications).

CeGaT Center for Human Genetics Tuebingen
Classification: Likely benign. Last evaluated: 2023-04-01. Review status: criteria provided, single submitter. Criteria: CeGaT Center For Human Genetics Tuebingen Variant Classification Criteria Version 2. Collection method: clinical testing. Allele origin: germline. Affected: yes. Observed: 1 variant allele.
Comment: SETBP1: BP4, BP7